The following is an entry in ClinVar:

ClinVar aggregate classification (germline): Likely benign. Review status: criteria provided, multiple submitters, no conflicts (2 of 4 stars). 7 submissions from 7 submitters: Likely benign (6). 1 of the submissions does not count toward it. Last evaluated 2026-05-01.

Conditions:
Cardiovascular phenotype. Identifiers: MedGen CN230736.
FLNC-related disorder. Also called: FLNC-related condition; FLNC-related disorders.
Hypertrophic cardiomyopathy 26. Also called: Cardiomyopathy, familial hypertrophic, 26. Identifiers: Orphanet 75249, MedGen C4310749, MONDO:0014883, OMIM 617047.
Myofibrillar myopathy 5. Also called: Filaminopathy (type); FILAMINOPATHY, AUTOSOMAL DOMINANT. Identifiers: Orphanet 171445, MedGen C1836050, MONDO:0012289, OMIM 609524.
Distal myopathy with posterior leg and anterior hand involvement. Also called: WILLIAMS DISTAL MYOPATHY. Identifiers: Orphanet 63273, MedGen C3279722, MONDO:0013550, OMIM 614065.

Allele frequency attached by ClinVar (database versions not stated): ExAC 0.00004; gnomAD exomes 0.00004; TOPMed 0.00007.
gnomAD v4.1: 156 of 1,612,904 alleles (0.0097%); highest among the groups gnomAD compares: African/African-American, 0.015%; no homozygotes.

Submissions (7):

CeGaT Center for Human Genetics Tuebingen
Classification: Likely benign. Last evaluated: 2026-05-01. Review status: criteria provided, single submitter. Criteria: CeGaT Center For Human Genetics Tuebingen Variant Classification Criteria Version 2. Collection method: clinical testing. Allele origin: germline. Affected: yes. Observed: 1 variant allele.
Comment: FLNC: BP4, BP7

Labcorp Genetics (formerly Invitae), Labcorp
Classification: Likely benign for Distal myopathy with posterior leg and anterior hand involvement; Myofibrillar myopathy 5; Hypertrophic cardiomyopathy 26. Last evaluated: 2025-12-22. Review status: criteria provided, single submitter. Criteria: Invitae Variant Classification Sherloc (09022015). Collection method: clinical testing. Allele origin: germline.

Blueprint Genetics
Classification: Likely benign. Last evaluated: 2023-09-19. Review status: criteria provided, single submitter. Criteria: ACMG Guidelines, 2015. Collection method: clinical testing. Allele origin: germline.

Women's Health and Genetics/Laboratory Corporation of America, LabCorp
Classification: Likely benign. Last evaluated: 2023-08-19. Review status: criteria provided, single submitter. Criteria: LabCorp Variant Classification Summary - May 2015. Collection method: clinical testing. Allele origin: germline.

GeneDx
Classification: Likely benign. Last evaluated: 2020-06-30. Review status: criteria provided, single submitter. Criteria: GeneDx Variant Classification Process June 2021. Collection method: clinical testing. Allele origin: germline. Affected: yes.

Ambry Genetics
Classification: Likely benign for Cardiovascular phenotype. Last evaluated: 2019-12-29. Review status: criteria provided, single submitter. Criteria: Ambry Variant Classification Scheme 2023. Collection method: clinical testing. Allele origin: germline.

PreventionGenetics, part of Exact Sciences
Classification: Likely benign for FLNC-related condition. Last evaluated: 2023-07-20. Review status: no assertion criteria provided. Collection method: clinical testing. Allele origin: germline. Not counted in ClinVar's aggregate classification.
Comment: This variant is classified as likely benign based on ACMG/AMP sequence variant interpretation guidelines (Richards et al. 2015 PMID: 25741868, with internal and published modifications).

NM_001458.5(FLNC):c.1242C>T (p.Ile414=)

Gene: FLNC (filamin C; plus strand). Cytogenetic location: 7q32.1.
Variant type: single nucleotide variant.
Coding change: c.1242C>T on transcript NM_001458.5 (MANE Select); coding-DNA position 1242, C replaced by T.
Protein change: p.Ile414=; no amino-acid change (isoleucine 414 retained).
Molecular consequence: synonymous variant.
Genome position (GRCh38, 1-based): chr7:128,838,634, C>T. VCF-style: chr7-128838634-C-T. GRCh37 (hg19) VCF-style: chr7-128478688-C-T.
Other names: c.1242C>T, p.Ile414= (NM_001127487.2).
Identifiers: ClinVar variation 471965 (VCV000471965.21), dbSNP rs761922411, ClinGen allele CA4474285.